The following is an entry in ClinVar:

NM_001083962.2(TCF4):c.1166G>A (p.Arg389His)

Gene: TCF4 (transcription factor 4; minus strand). Cytogenetic location: 18q21.2.
Variant type: single nucleotide variant.
Coding change: c.1166G>A on transcript NM_001083962.2 (MANE Select); coding-DNA position 1166, G replaced by A.
Protein change: p.Arg389His; replaces arginine 389 with histidine.
Molecular consequence: missense variant.
Genome position (GRCh38, 1-based): chr18:55,254,681, C>T on the plus strand (G>A on the coding strand, the complement: TCF4 is on the minus strand). VCF-style: chr18-55254681-C-T. GRCh37 (hg19) VCF-style: chr18-52921912-C-T.
Other names: c.1094G>A, p.Arg365His (NM_001348218.2, NM_001348219.2, NM_001243227.2 and 5 more transcripts); c.1091G>A, p.Arg364His (NM_001348220.1, NM_001369576.1, NM_001369577.1 and 6 more transcripts); c.1166G>A, p.Arg389His (NM_001369567.1, NM_001369568.1, NM_001369571.1 and 2 more transcripts); c.1163G>A, p.Arg388His (NM_001369569.1, NM_001369570.1, NM_001369573.1 and 2 more transcripts); c.1472G>A, p.Arg491His (NM_001243226.3); c.1184G>A, p.Arg395His (NM_001243228.2); c.1157G>A, p.Arg386His (NM_001243230.2); c.1040G>A, p.Arg347His (NM_001243231.2, NM_001348211.2); and 6 more; short protein forms R173H, R228H, R229H, R259H, R318H, R347H, R364H, R365H.
Identifiers: ClinVar variation 3360217 (VCV003360217.3).

ClinVar aggregate classification (germline): Uncertain significance. Review status: criteria provided, multiple submitters, no conflicts (2 of 4 stars). 2 submissions from 2 submitters: Uncertain significance (2). Last evaluated 2025-07-21.

Conditions:
Pitt-Hopkins syndrome (PTHS). Also called: MENTAL RETARDATION, SYNDROMAL, WITH INTERMITTENT HYPERVENTILATION; ENCEPHALOPATHY, SEVERE EPILEPTIC, WITH AUTONOMIC DYSFUNCTION. Identifiers: Orphanet 2896, MedGen C1970431, MONDO:0012589, OMIM 610954.

Submissions (2):

Labcorp Genetics (formerly Invitae), Labcorp
Classification: Uncertain significance for Pitt-Hopkins syndrome. Last evaluated: 2025-07-21. Review status: criteria provided, single submitter. Criteria: Invitae Variant Classification Sherloc (09022015). Collection method: clinical testing. Allele origin: germline.
Comment: This sequence change replaces arginine, which is basic and polar, with histidine, which is basic and polar, at codon 389 of the TCF4 protein (p.Arg389His). This variant is present in population databases (no rsID available, gnomAD 0.0009%). This variant has not been reported in the literature in individuals affected with TCF4-related conditions. ClinVar contains an entry for this variant (Variation ID: 3360217). Invitae Evidence Modeling of protein sequence and biophysical properties (such as structural, functional, and spatial information, amino acid conservation, physicochemical variation, residue mobility, and thermodynamic stability) indicates that this missense variant is not expected to disrupt TCF4 protein function with a negative predictive value of 95%. This variant disrupts the p.Arg389 amino acid residue in TCF4. Other variant(s) that disrupt this residue have been determined to be pathogenic (PMID: 34490615, 35908153). This suggests that this residue is clinically significant, and that variants that disrupt this residue are likely to be disease-causing. In summary, the available evidence is currently insufficient to determine the role of this variant in disease. Therefore, it has been classified as a Variant of Uncertain Significance.

GeneDx
Classification: Uncertain significance. Last evaluated: 2023-06-21. Review status: criteria provided, single submitter. Criteria: GeneDx Variant Classification Process June 2021. Collection method: clinical testing. Allele origin: germline. Affected: yes.
Comment: In silico analysis supports that this missense variant does not alter protein structure/function; Has not been previously published as pathogenic or benign to our knowledge

Literature cited by the submitters: PubMed 34490615 (cited by Labcorp Genetics (formerly Invitae), Labcorp); PubMed 35908153 (cited by Labcorp Genetics (formerly Invitae), Labcorp).